The following is an entry in ClinVar:

ClinVar aggregate classification (germline): Pathogenic/Likely pathogenic. Review status: criteria provided, multiple submitters, no conflicts (2 of 4 stars). 2 submissions from 2 submitters: Pathogenic (1); Likely pathogenic (1). Last evaluated 2023-09-04.

Conditions:
Multiple acyl-CoA dehydrogenase deficiency (MADD). Also called: Glutaric aciduria, type 2; Glutaric Acidemia type 2; Glutaric acidemia type II; GA 2; ETHYLMALONIC-ADIPICACIDURIA; GA II. Identifiers: Orphanet 26791, MedGen C0268596, MONDO:0009282, OMIM 231680.

Submissions (2):

Baylor Genetics
Classification: Likely pathogenic for Multiple acyl-CoA dehydrogenase deficiency. Last evaluated: 2023-09-04. Review status: criteria provided, single submitter. Criteria: ACMG Guidelines, 2015. Collection method: clinical testing. Allele origin: unknown.

Labcorp Genetics (formerly Invitae), Labcorp
Classification: Pathogenic for Multiple acyl-CoA dehydrogenase deficiency. Last evaluated: 2020-10-04. Review status: criteria provided, single submitter. Criteria: Invitae Variant Classification Sherloc (09022015). Collection method: clinical testing. Allele origin: germline.
Comment: Loss-of-function variants in ETFDH are known to be pathogenic (PMID: 16510302, 23785301). This sequence change creates a premature translational stop signal (p.Phe379Trpfs*8) in the ETFDH gene. It is expected to result in an absent or disrupted protein product. This variant is not present in population databases (ExAC no frequency). This variant has not been reported in the literature in individuals with ETFDH-related conditions. For these reasons, this variant has been classified as Pathogenic.

Literature cited by the submitters: PubMed 16510302 (cited by Labcorp Genetics (formerly Invitae), Labcorp); PubMed 23785301 (cited by Labcorp Genetics (formerly Invitae), Labcorp).

NM_004453.4(ETFDH):c.1136_1140del (p.Phe379fs)

Gene: ETFDH (electron transfer flavoprotein dehydrogenase; plus strand). Cytogenetic location: 4q32.1.
Variant type: Deletion.
Coding change: c.1136_1140del on transcript NM_004453.4 (MANE Select); coding-DNA positions 1136 to 1140, 5 bases deleted (TTCCT; older notation c.1136_1140delTTCCT).
Protein change: p.Phe379fs; shifts the reading frame from phenylalanine 379.
Molecular consequence: frameshift variant.
Genome position (GRCh38, 1-based): chr4:158,703,442-158,703,446, TTCCT deleted; deleting any 5 consecutive bases within chr4:158,703,439-158,703,446 gives the same sequence; the c. name uses the placement nearest the transcript's 3' end. VCF-style (leftmost placement, unchanged base first): chr4-158703438-ACCTTT-A. GRCh37 (hg19) VCF-style: chr4-159624590-ACCTTT-A.
Other names: c.995_999del, p.Phe332fs (NM_001281737.2); c.953_957del, p.Phe318fs (NM_001281738.1); short protein forms F318fs, F332fs, F379fs.
Identifiers: ClinVar variation 1070989 (VCV001070989.8), dbSNP rs2126309189, ClinGen allele CA2499217149.
Genomic context (GRCh38, chr4:158,703,438, plus strand): 5'-TTTAATATGAACTAACAAATGTATTCTGAATCTTTGTTTCCTCAGTCTATACCAAAACTC[ACCTTT>A]CCTGGTGGTTTACTAATTGGTTGTAGTCCTGGTTTTATGAATGTTCCCAAGATCAAAGGT-3'